The following is an entry in ClinVar:

NM_001271.4(CHD2):c.2709_2713del (p.Ile904fs)

Gene: CHD2 (chromodomain helicase DNA binding protein 2; plus strand). Cytogenetic location: 15q26.1.
Variant type: Deletion.
Coding change: c.2709_2713del on transcript NM_001271.4 (MANE Select); coding-DNA positions 2709 to 2713, 5 bases deleted (AATTG; older notation c.2709_2713delAATTG).
Protein change: p.Ile904fs; shifts the reading frame from isoleucine 904.
Molecular consequence: frameshift variant.
Genome position (GRCh38, 1-based): chr15:92,978,365-92,978,369, AATTG deleted; deleting any 5 consecutive bases within chr15:92,978,364-92,978,369 gives the same sequence; the c. name uses the placement nearest the transcript's 3' end. VCF-style (leftmost placement, unchanged base first): chr15-92978363-AGAATT-A. GRCh37 (hg19) VCF-style: chr15-93521593-AGAATT-A.
Other names: short protein forms I904fs.
Identifiers: ClinVar variation 4850016 (VCV004850016.1).

ClinVar aggregate classification (germline): Likely pathogenic (1 of 4 stars; one submission).

Conditions:
Developmental and epileptic encephalopathy 94 (DEE94). Also called: CHD2-Related Neurodevelopmental Disorders; Epileptic encephalopathy, childhood-onset. Identifiers: Orphanet 1942, Orphanet 2382, MedGen C3809278, MONDO:0014150, OMIM 615369.

Submission:

Variantyx, Inc.
Classification: Likely pathogenic for Developmental and epileptic encephalopathy 94. Last evaluated: 2025-12-19. Review status: criteria provided, single submitter. Criteria: Variantyx Assertion Criteria 2022. Collection method: clinical testing. Allele origin: germline. Inheritance: Autosomal dominant inheritance. Affected: yes.
Comment: This is a frameshift variant in the CHD2 gene (OMIM: 602119). Pathogenic variants in this gene have been associated with autosomal dominant developmental and epileptic encephalopathy 94. This variant introduces a premature termination codon in exon 21 out of 39 and is expected to result in loss of function, which is a known disease mechanism for CHD2 in this disorder (PMID: 23708187, 24207121) (PVS1). This variant is absent from control populations (PM2), and it \ has not been reported in individuals with CHD2-related disorders in the databases available for review. Based on the current evidence, this variant is classified as likely pathogenic for autosomal dominant developmental and epileptic encephalopathy 94.

Literature cited by the submitters: PubMed 23708187; PubMed 24207121.